The following is an entry in ClinVar:

Single allele

Variant type: Deletion.
Identifiers: ClinVar variation 559467 (VCV000559467.3).

ClinVar aggregate classification (germline): Uncertain significance (1 of 4 stars; one submission).

Submission:

Geisinger Autism and Developmental Medicine Institute, Geisinger Health System
Classification: Uncertain significance. Last evaluated: 2018-04-03. Review status: criteria provided, single submitter. Criteria: ACMG CNV Guidelines, 2011. Collection method: provider interpretation. Allele origin: unknown.
Comment: Parental testing has not been completed to date.